The following is an entry in ClinVar:

NM_000553.6(WRN):c.654+4C>T

Gene: WRN (WRN RecQ like helicase; plus strand). Cytogenetic location: 8p12.
Variant type: single nucleotide variant.
Coding change: c.654+4C>T on transcript NM_000553.6 (MANE Select); 4 bases into the intron after coding-DNA position 654, C replaced by T.
Molecular consequence: intron variant.
Genome position (GRCh38, 1-based): chr8:31,067,186, C>T. VCF-style: chr8-31067186-C-T. GRCh37 (hg19) VCF-style: chr8-30924702-C-T.
Identifiers: ClinVar variation 458494 (VCV000458494.12), dbSNP rs769275170, ClinGen allele CA4704120.

ClinVar aggregate classification (germline): Uncertain significance. Review status: criteria provided, multiple submitters, no conflicts (2 of 4 stars). 3 submissions from 3 submitters: Uncertain significance (2). 1 of the submissions does not count toward it. Last evaluated 2026-01-05.

Conditions:
WRN-related disorder. Also called: WRN-related condition.
Werner syndrome (WRN). Identifiers: Orphanet 902, MedGen C0043119, MONDO:0010196, OMIM 277700.

Allele frequency attached by ClinVar (database versions not stated): gnomAD 0.00003; TOPMed 0.00004; ExAC 0.00006; gnomAD exomes 0.00006.
gnomAD v4.1: 39 of 1,613,150 alleles (0.0024%); highest among the groups gnomAD compares: South Asian, 0.012%; no homozygotes.

Submissions (3):

Labcorp Genetics (formerly Invitae), Labcorp
Classification: Uncertain significance for Werner syndrome. Last evaluated: 2026-01-05. Review status: criteria provided, single submitter. Criteria: Invitae Variant Classification Sherloc (09022015). Collection method: clinical testing. Allele origin: germline.
Comment: This sequence change falls in intron 6 of the WRN gene. It does not directly change the encoded amino acid sequence of the WRN protein. It affects a nucleotide within the consensus splice site. This variant is present in population databases (rs769275170, gnomAD 0.03%). This variant has not been reported in the literature in individuals affected with WRN-related conditions. ClinVar contains an entry for this variant (Variation ID: 458494). Variants that disrupt the consensus splice site are a relatively common cause of aberrant splicing (PMID: 17576681, 9536098). Studies have shown that this variant is associated with inconclusive levels of altered splicing (internal data). In summary, the available evidence is currently insufficient to determine the role of this variant in disease. Therefore, it has been classified as a Variant of Uncertain Significance.

GeneDx
Classification: Uncertain significance. Last evaluated: 2019-10-07. Review status: criteria provided, single submitter. Criteria: GeneDx Variant Classification Process June 2021. Collection method: clinical testing. Allele origin: germline. Affected: yes.
Comment: Has not been previously published as pathogenic or benign to our knowledge; In-silico analysis, which includes splice predictors and evolutionary conservation, is inconclusive as to whether the variant alters gene splicing. In the absence of RNA/functional studies, the actual effect of this sequence change is unknown.

PreventionGenetics, part of Exact Sciences
Classification: Likely benign for WRN-related condition. Last evaluated: 2022-11-22. Review status: no assertion criteria provided. Collection method: clinical testing. Allele origin: germline. Not counted in ClinVar's aggregate classification.
Comment: This variant is classified as likely benign based on ACMG/AMP sequence variant interpretation guidelines (Richards et al. 2015 PMID: 25741868, with internal and published modifications).

Literature cited by the submitters: PubMed 17576681 (cited by Labcorp Genetics (formerly Invitae), Labcorp); PubMed 9536098 (cited by Labcorp Genetics (formerly Invitae), Labcorp).